The following is an entry in ClinVar:

NM_000535.7(PMS2):c.1144+4A>C

Gene: PMS2 (PMS1 homolog 2, mismatch repair system component; minus strand). Cytogenetic location: 7p22.1.
Variant type: single nucleotide variant.
Coding change: c.1144+4A>C on transcript NM_000535.7 (MANE Select); 4 bases into the intron after coding-DNA position 1144, A replaced by C.
Molecular consequence: intron variant.
Genome position (GRCh38, 1-based): chr7:5,989,796, T>G on the plus strand (A>C on the coding strand, the complement: PMS2 is on the minus strand). VCF-style: chr7-5989796-T-G. GRCh37 (hg19) VCF-style: chr7-6029427-T-G.
Other names: c.826+4A>C (NM_001322008.2, NM_001406883.1, NM_001406903.1 and 2 more transcripts); c.835+4A>C (NM_001406881.1, NM_001406879.1, NM_001322015.2 and 5 more transcripts); c.739+4A>C (NM_001406895.1, NM_001322004.2, NM_001406889.1 and 16 more transcripts); c.373+4A>C (NM_001406911.1); c.584-2176A>C (NM_001322010.2, NM_001406906.1, NM_001406907.1); c.671-2176A>C (NM_001406902.1, NM_001406901.1); c.631+4A>C (NM_001406904.1, NM_001406905.1); c.571+4A>C (NM_001322013.2, NM_001406909.1); and 13 more.
Identifiers: ClinVar variation 4842997 (VCV004842997.1).

ClinVar aggregate classification (germline): Uncertain significance (1 of 4 stars; one submission).

Conditions:
Hereditary cancer-predisposing syndrome. Also called: Neoplastic Syndromes, Hereditary; Tumor predisposition; Hereditary Cancer Syndrome; Hereditary neoplastic syndrome. Identifiers: Orphanet 140162, MedGen C0027672, MeSH D009386, MONDO:0015356.

Submission:

Ambry Genetics
Classification: Uncertain significance for Hereditary cancer-predisposing syndrome. Last evaluated: 2026-01-09. Review status: criteria provided, single submitter. Criteria: Ambry Variant Classification Scheme 2023. Collection method: clinical testing. Allele origin: germline.
Comment: The c.1144+4A>C intronic variant results from an A to C substitution 4 nucleotides after coding exon 10 in the PMS2 gene. This nucleotide position is not well conserved in available vertebrate species. In silico splice site analysis predicts that this alteration will not have any significant effect on splicing. Based on the available evidence, the clinical significance of this variant remains unclear.